The following is an entry in ClinVar:

NM_015474.4(SAMHD1):c.1661G>A (p.Cys554Tyr)

Gene: SAMHD1 (SAM and HD domain containing deoxynucleoside triphosphate triphosphohydrolase 1; minus strand). Cytogenetic location: 20q11.23.
Variant type: single nucleotide variant.
Coding change: c.1661G>A on transcript NM_015474.4 (MANE Select); coding-DNA position 1661, G replaced by A.
Protein change: p.Cys554Tyr; replaces cysteine 554 with tyrosine.
Molecular consequence: missense variant.
Genome position (GRCh38, 1-based): chr20:36,897,907, C>T on the plus strand (G>A on the coding strand, the complement: SAMHD1 is on the minus strand). VCF-style: chr20-36897907-C-T. GRCh37 (hg19) VCF-style: chr20-35526310-C-T.
Other names: c.1556G>A, p.Cys519Tyr (NM_001363729.2); c.1661G>A, p.Cys554Tyr (NM_001363733.2); short protein forms C519Y, C554Y.
Identifiers: ClinVar variation 2087907 (VCV002087907.3), dbSNP rs2515217473, ClinGen allele CA408839504.

ClinVar aggregate classification (germline): Uncertain significance. Review status: criteria provided, multiple submitters, no conflicts (2 of 4 stars). 2 submissions from 2 submitters: Uncertain significance (2). Last evaluated 2025-11-19.

Conditions:
Inborn genetic diseases. Identifiers: MedGen C0950123, MeSH D030342.
Aicardi-Goutieres syndrome 5. Identifiers: Orphanet 51, MedGen C2749659, MONDO:0013059, OMIM 612952.

gnomAD v4.1: 3 of 1,614,196 alleles (0.00019%); highest among the groups gnomAD compares: African/African-American, 0.0013%; no homozygotes.

Submissions (2):

Ambry Genetics
Classification: Uncertain significance for Inborn genetic diseases. Last evaluated: 2025-11-19. Review status: criteria provided, single submitter. Criteria: Ambry Variant Classification Scheme 2023. Collection method: clinical testing. Allele origin: germline.

Labcorp Genetics (formerly Invitae), Labcorp
Classification: Uncertain significance for Aicardi-Goutieres syndrome 5. Last evaluated: 2025-03-03. Review status: criteria provided, single submitter. Criteria: Invitae Variant Classification Sherloc (09022015). Collection method: clinical testing. Allele origin: germline.
Comment: This sequence change replaces cysteine, which is neutral and slightly polar, with tyrosine, which is neutral and polar, at codon 554 of the SAMHD1 protein (p.Cys554Tyr). This variant is not present in population databases (gnomAD no frequency). This variant has not been reported in the literature in individuals affected with SAMHD1-related conditions. ClinVar contains an entry for this variant (Variation ID: 2087907). Invitae Evidence Modeling of protein sequence and biophysical properties (such as structural, functional, and spatial information, amino acid conservation, physicochemical variation, residue mobility, and thermodynamic stability) has been performed for this missense variant. However, the output from this modeling did not meet the statistical confidence thresholds required to predict the impact of this variant on SAMHD1 protein function. In summary, the available evidence is currently insufficient to determine the role of this variant in disease. Therefore, it has been classified as a Variant of Uncertain Significance.